The following is an entry in ClinVar:

ClinVar aggregate classification (germline): Benign/Likely benign. Review status: criteria provided, multiple submitters, no conflicts (2 of 4 stars). 5 submissions from 5 submitters: Benign (4); Likely benign (1). Last evaluated 2026-09-01.

Conditions:
PIGM-related disorder. Also called: PIGM-related condition.
Hypercoagulability syndrome due to glycosylphosphatidylinositol deficiency (GPIBD1). Also called: GLYCOSYLPHOSPHATIDYLINOSITOL BIOSYNTHESIS DEFECT 1. Identifiers: Orphanet 83639, MedGen C5201145, MONDO:0012465, OMIM 610293.

Allele frequency attached by ClinVar (database versions not stated): gnomAD exomes 0.00140 and 0.00251; ExAC 0.00240; ESP Exome Variant Server 0.00361; gnomAD 0.00367 and 0.00397; 1000 Genomes Project 0.00379; 1000 Genomes Project 30x 0.00468; TOPMed 0.00469.
gnomAD v4.1: 2,743 of 1,614,124 alleles (0.17%); highest among the groups gnomAD compares: Middle Eastern, 2.7%; 19 homozygotes.

Submissions (5):

CeGaT Center for Human Genetics Tuebingen
Classification: Likely benign. Last evaluated: 2026-09-01. Review status: criteria provided, single submitter. Criteria: CeGaT Center For Human Genetics Tuebingen Variant Classification Criteria Version 2. Collection method: clinical testing. Allele origin: germline. Affected: yes. Observed: 10 variant alleles.
Comment: PIGM: BP4, BP7, BS2

Labcorp Genetics (formerly Invitae), Labcorp
Classification: Benign for Hypercoagulability syndrome due to glycosylphosphatidylinositol deficiency. Last evaluated: 2026-01-19. Review status: criteria provided, single submitter. Criteria: Invitae Variant Classification Sherloc (09022015). Collection method: clinical testing. Allele origin: germline.

PreventionGenetics, part of Exact Sciences
Classification: Benign for PIGM-related condition. Last evaluated: 2024-12-27. Review status: criteria provided, single submitter. Criteria: ACMG Guidelines, 2015. Collection method: clinical testing. Allele origin: germline.
Comment: This variant is classified as benign based on ACMG/AMP sequence variant interpretation guidelines (Richards et al. 2015 PMID: 25741868, with internal and published modifications).

Eurofins Ntd Llc (ga)
Classification: Benign. Last evaluated: 2018-03-16. Review status: criteria provided, single submitter. Criteria: EGL ClinVar v180209 classification definitions. Collection method: clinical testing. Allele origin: germline. Observed: 2 variant alleles, 2 heterozygotes.

Breakthrough Genomics
Classification: Benign. Review status: criteria provided, single submitter. Criteria: ACMG Guidelines, 2015. Collection method: not provided. Allele origin: germline. Inheritance: Autosomal recessive inheritance. Affected: yes.

NM_145167.3(PIGM):c.6C>T (p.Gly2=)

Gene: PIGM (phosphatidylinositol glycan anchor biosynthesis class M; minus strand). Cytogenetic location: 1q23.2.
Variant type: single nucleotide variant.
Coding change: c.6C>T on transcript NM_145167.3 (MANE Select); coding-DNA position 6, C replaced by T.
Protein change: p.Gly2=; no amino-acid change (glycine 2 retained).
Molecular consequence: synonymous variant.
Genome position (GRCh38, 1-based): chr1:160,031,734, G>A on the plus strand (C>T on the coding strand, the complement: PIGM is on the minus strand). VCF-style: chr1-160031734-G-A. GRCh37 (hg19) VCF-style: chr1-160001524-G-A.
Identifiers: ClinVar variation 592292 (VCV000592292.40), dbSNP rs61757715, ClinGen allele CA1193131.